The following is an entry in ClinVar:

ClinVar aggregate classification (germline): Pathogenic (1 of 4 stars; one submission).

Conditions:
Cohen syndrome (COH1). Also called: PEPPER SYNDROME; Cutis verticis gyrata, retinitis pigmentosa, and sensorineural deafness. Identifiers: Orphanet 193, MedGen C0265223, MONDO:0008999, OMIM 216550.

Submission:

Labcorp Genetics (formerly Invitae), Labcorp
Classification: Pathogenic for Cohen syndrome. Last evaluated: 2023-11-20. Review status: criteria provided, single submitter. Criteria: Invitae Variant Classification Sherloc (09022015). Collection method: clinical testing. Allele origin: germline.
Comment: This sequence change creates a premature translational stop signal (p.Ser2423Argfs*15) in the VPS13B gene. It is expected to result in an absent or disrupted protein product. Loss-of-function variants in VPS13B are known to be pathogenic (PMID: 15141358, 16648375, 20461111). This variant is not present in population databases (gnomAD no frequency). This variant has not been reported in the literature in individuals affected with VPS13B-related conditions. ClinVar contains an entry for this variant (Variation ID: 944827). For these reasons, this variant has been classified as Pathogenic.

Literature cited by the submitters: PubMed 15141358; PubMed 16648375; PubMed 20461111.

NM_152564.5(VPS13B):c.7191_7192del (p.Ser2398fs)

Gene: VPS13B (vacuolar protein sorting 13 homolog B; plus strand). Cytogenetic location: 8q22.2.
Variant type: Deletion.
Coding change: c.7191_7192del on transcript NM_152564.5 (MANE Select); coding-DNA positions 7191 to 7192, 2 bases deleted (TT; older notation c.7191_7192delTT).
Protein change: p.Ser2398fs; shifts the reading frame from serine 2398.
Molecular consequence: frameshift variant.
Genome position (GRCh38, 1-based): chr8:99,766,914-99,766,915, TT deleted. VCF-style (leftmost placement, unchanged base first): chr8-99766913-CTT-C. GRCh37 (hg19) VCF-style: chr8-100779141-CTT-C.
Other names: c.7266_7267del, p.Ser2423fs (NM_017890.5); short protein forms S2398fs, S2423fs.
Identifiers: ClinVar variation 944827 (VCV000944827.7), dbSNP rs1811255718, ClinGen allele CA1139660678.